The following is an entry in ClinVar:

ClinVar aggregate classification (germline): Pathogenic (1 of 4 stars; one submission).

Submission:

Clinical Genomics Laboratory, Laboratory for Precision Diagnostics, University of Washington
Classification: Pathogenic. Last evaluated: 2018-08-14. Review status: criteria provided, single submitter. Criteria: Clinical Cytogenomics Laboratory Policy on CNV Interpretation. Collection method: clinical testing. Allele origin: unknown. Affected: yes. Observed: 1 variant allele.

Literature cited by the submitters: PubMed 27738543; PubMed 14671178; PubMed 12646665; PubMed 10199800; PubMed 27394708; PubMed 25747306.

GRCh37/hg19 18q21.32(chr18:57940764-58095560)x1

Gene: MC4R (melanocortin 4 receptor; minus strand). Cytogenetic location: 18q21.32.
Variant type: copy number loss.
Change: copy number 1 (one copy instead of two) of chr18:57,940,764-58,095,560 (154.8 kb, GRCh37 coordinates, 1-based), cytogenetic band 18q21.32.
Identifiers: ClinVar variation 638110 (VCV000638110.2).